The following is an entry in ClinVar:

ClinVar aggregate classification (germline): Pathogenic/Likely pathogenic. Review status: criteria provided, multiple submitters, no conflicts (2 of 4 stars). 2 submissions from 2 submitters: Pathogenic (1); Likely pathogenic (1). Last evaluated 2026-01-09.

Conditions:
Deficiency of guanidinoacetate methyltransferase (CCDS2). Also called: GAMT DEFICIENCY; CEREBRAL CREATINE DEFICIENCY SYNDROME 2; Guanidinoacetate Methyltransferase (GAMT) Deficiency. Identifiers: Orphanet 382, MedGen C0574080, MONDO:0012999, OMIM 612736.
Cerebral creatine deficiency syndrome. Also called: Creatine deficiency syndromes. Identifiers: Orphanet 79172, MedGen C5244016, MONDO:0000456.

Submissions (2):

Labcorp Genetics (formerly Invitae), Labcorp
Classification: Pathogenic for Cerebral creatine deficiency syndrome. Last evaluated: 2026-01-09. Review status: criteria provided, single submitter. Criteria: Invitae Variant Classification Sherloc (09022015). Collection method: clinical testing. Allele origin: germline.
Comment: This sequence change creates a premature translational stop signal (p.His108Glnfs*18) in the GAMT gene. It is expected to result in an absent or disrupted protein product. Loss-of-function variants in GAMT are known to be pathogenic (PMID: 15108290). This variant is not present in population databases (gnomAD no frequency). This variant has not been reported in the literature in individuals affected with GAMT-related conditions. For these reasons, this variant has been classified as Pathogenic.

Baylor Genetics
Classification: Likely pathogenic for Deficiency of guanidinoacetate methyltransferase. Last evaluated: 2023-03-10. Review status: criteria provided, single submitter. Criteria: ACMG Guidelines, 2015. Collection method: clinical testing. Allele origin: unknown.

Literature cited by the submitters: PubMed 15108290 (cited by Labcorp Genetics (formerly Invitae), Labcorp).

NM_000156.6(GAMT):c.324_325del (p.His108fs)

Gene: GAMT (guanidinoacetate N-methyltransferase; minus strand). Cytogenetic location: 19p13.3.
Variant type: Microsatellite.
Coding change: c.324_325del on transcript NM_000156.6 (MANE Select); coding-DNA positions 324 to 325, 2 bases deleted (CA; older notation c.324_325delCA).
Protein change: p.His108fs; shifts the reading frame from histidine 108.
Molecular consequence: frameshift variant.
Genome position (GRCh38, 1-based): chr19:1,399,795-1,399,796, TG deleted on the plus strand (CA on the coding strand, the reverse complement: GAMT is on the minus strand); deleting any 2 consecutive bases within chr19:1,399,795-1,399,801 gives the same sequence; the c. name uses the placement nearest the transcript's 3' end. VCF-style (leftmost placement, unchanged base first): chr19-1399794-TTG-T. GRCh37 (hg19) VCF-style: chr19-1399793-TTG-T.
Other names: c.324_325del, p.His108fs (NM_138924.3); short protein forms H108fs.
Identifiers: ClinVar variation 1073500 (VCV001073500.8), dbSNP rs2144638048, ClinGen allele CA2580612588.